The following is an entry in ClinVar:

ClinVar aggregate classification (germline): Uncertain significance. Review status: criteria provided, multiple submitters, no conflicts (2 of 4 stars). 4 submissions from 3 submitters: Uncertain significance (4). Last evaluated 2023-11-04.

Conditions:
Retinitis pigmentosa 39 (RP39). Identifiers: Orphanet 791, MedGen C3151138, MONDO:0013436, OMIM 613809.
Usher syndrome type 2A. Also called: RETINAL DISEASE IN USHER SYNDROME TYPE IIA, MODIFIER OF; USHER SYNDROME, TYPE IIA. Identifiers: Orphanet 231178, Orphanet 886, MedGen C1848634, MONDO:0010169, OMIM 276901.

Allele frequency attached by ClinVar (database versions not stated): gnomAD exomes below 0.00001; TOPMed 0.00001; ESP Exome Variant Server 0.00008.
gnomAD v4.1: 2 of 1,613,934 alleles (0.00012%); highest among the groups gnomAD compares: Non-Finnish European, 0.00017%; no homozygotes.

Submissions (4):

Genome-Nilou Lab
Classification: Uncertain significance for Retinitis pigmentosa 39. Last evaluated: 2023-11-04. Review status: criteria provided, single submitter. Criteria: ACMG Guidelines, 2015. Collection method: clinical testing. Allele origin: germline. Affected: no.

Genome-Nilou Lab
Classification: Uncertain significance for Usher syndrome type 2A. Last evaluated: 2023-11-04. Review status: criteria provided, single submitter. Criteria: ACMG Guidelines, 2015. Collection method: clinical testing. Allele origin: germline. Affected: no.

Labcorp Genetics (formerly Invitae), Labcorp
Classification: Uncertain significance. Last evaluated: 2022-08-23. Review status: criteria provided, single submitter. Criteria: Invitae Variant Classification Sherloc (09022015). Collection method: clinical testing. Allele origin: germline.
Comment: This sequence change replaces lysine, which is basic and polar, with asparagine, which is neutral and polar, at codon 3580 of the USH2A protein (p.Lys3580Asn). This variant also falls at the last nucleotide of exon 54, which is part of the consensus splice site for this exon. This variant is not present in population databases (gnomAD no frequency). This variant has not been reported in the literature in individuals affected with USH2A-related conditions. ClinVar contains an entry for this variant (Variation ID: 1311240). Algorithms developed to predict the effect of missense changes on protein structure and function are either unavailable or do not agree on the potential impact of this missense change (SIFT: "Deleterious"; PolyPhen-2: "Benign"; Align-GVGD: "Class C65"). Variants that disrupt the consensus splice site are a relatively common cause of aberrant splicing (PMID: 17576681, 9536098). Algorithms developed to predict the effect of sequence changes on RNA splicing suggest that this variant may create or strengthen a splice site. In summary, the available evidence is currently insufficient to determine the role of this variant in disease. Therefore, it has been classified as a Variant of Uncertain Significance.

GeneDx
Classification: Uncertain significance. Last evaluated: 2019-12-17. Review status: criteria provided, single submitter. Criteria: GeneDx Variant Classification Process June 2021. Collection method: clinical testing. Allele origin: germline. Affected: yes.
Comment: Not observed in large population cohorts (Lek et al., 2016); In silico analysis, which includes protein predictors and evolutionary conservation, supports that this variant does not alter protein structure/function; Has not been previously published as pathogenic or benign to our knowledge

Literature cited by the submitters: PubMed 17576681 (cited by Labcorp Genetics (formerly Invitae), Labcorp); PubMed 9536098 (cited by Labcorp Genetics (formerly Invitae), Labcorp).

NM_206933.4(USH2A):c.10740G>C (p.Lys3580Asn)

Gene: USH2A (usherin; minus strand). Cytogenetic location: 1q41.
Variant type: single nucleotide variant.
Coding change: c.10740G>C on transcript NM_206933.4 (MANE Select); coding-DNA position 10740, G replaced by C.
Protein change: p.Lys3580Asn; replaces lysine 3580 with asparagine.
Molecular consequence: missense variant.
Genome position (GRCh38, 1-based): chr1:215,782,042, C>G on the plus strand (G>C on the coding strand, the complement: USH2A is on the minus strand). VCF-style: chr1-215782042-C-G. GRCh37 (hg19) VCF-style: chr1-215955384-C-G.
Other names: short protein forms K3580N.
Identifiers: ClinVar variation 1311240 (VCV001311240.4), dbSNP rs369507534, ClinGen allele CA37437277.